The following is an entry in ClinVar:

ClinVar aggregate classification (germline): Uncertain significance. Review status: criteria provided, multiple submitters, no conflicts (2 of 4 stars). 3 submissions from 3 submitters: Uncertain significance (3). Last evaluated 2025-12-08.

Conditions:
Cardiovascular phenotype. Identifiers: MedGen CN230736.
Brugada syndrome 8 (BRGDA8). Identifiers: Orphanet 130, MedGen C2751083, MONDO:0013148, OMIM 613123.

Allele frequency attached by ClinVar (database versions not stated): gnomAD exomes below 0.00001; TOPMed below 0.00001; gnomAD 0.00001 and 0.00002.
gnomAD v4.1: 19 of 1,596,860 alleles (0.0012%); highest among the groups gnomAD compares: Middle Eastern, 0.017%; no homozygotes.

Submissions (3):

Labcorp Genetics (formerly Invitae), Labcorp
Classification: Uncertain significance for Brugada syndrome 8. Last evaluated: 2025-12-08. Review status: criteria provided, single submitter. Criteria: Invitae Variant Classification Sherloc (09022015). Collection method: clinical testing. Allele origin: germline.
Comment: This sequence change replaces glycine, which is neutral and non-polar, with serine, which is neutral and polar, at codon 818 of the HCN4 protein (p.Gly818Ser). The frequency data for this variant in the population databases is considered unreliable, as metrics indicate poor data quality at this position in the gnomAD database. This variant has not been reported in the literature in individuals affected with HCN4-related conditions. ClinVar contains an entry for this variant (Variation ID: 1516107). Invitae Evidence Modeling of protein sequence and biophysical properties (such as structural, functional, and spatial information, amino acid conservation, physicochemical variation, residue mobility, and thermodynamic stability) indicates that this missense variant is not expected to disrupt HCN4 protein function with a negative predictive value of 95%. In summary, the available evidence is currently insufficient to determine the role of this variant in disease. Therefore, it has been classified as a Variant of Uncertain Significance.

Ambry Genetics
Classification: Uncertain significance for Cardiovascular phenotype. Last evaluated: 2025-04-06. Review status: criteria provided, single submitter. Criteria: Ambry Variant Classification Scheme 2023. Collection method: clinical testing. Allele origin: germline.
Comment: The p.G818S variant (also known as c.2452G>A), located in coding exon 8 of the HCN4 gene, results from a G to A substitution at nucleotide position 2452. The glycine at codon 818 is replaced by serine, an amino acid with similar properties. This alteration has been reported in a sudden unexplained death cohort (Sanchez O et al. PLoS One, 2016 Dec;11:e0167358). This amino acid position is not well conserved in available vertebrate species. In addition, this alteration is predicted to be tolerated by in silico analysis. Since supporting evidence is limited at this time, the clinical significance of this alteration remains unclear.

Blueprint Genetics
Classification: Uncertain significance. Last evaluated: 2022-01-27. Review status: criteria provided, single submitter. Criteria: ACMG Guidelines, 2015. Collection method: clinical testing. Allele origin: germline.

Literature cited by the submitters: PubMed 27930701 (cited by Ambry Genetics).

NM_005477.3(HCN4):c.2452G>A (p.Gly818Ser)

Gene: HCN4 (hyperpolarization activated cyclic nucleotide gated potassium channel 4; minus strand). Cytogenetic location: 15q24.1.
Variant type: single nucleotide variant.
Coding change: c.2452G>A on transcript NM_005477.3 (MANE Select); coding-DNA position 2452, G replaced by A.
Protein change: p.Gly818Ser; replaces glycine 818 with serine.
Molecular consequence: missense variant.
Genome position (GRCh38, 1-based): chr15:73,323,641, C>T on the plus strand (G>A on the coding strand, the complement: HCN4 is on the minus strand). VCF-style: chr15-73323641-C-T. GRCh37 (hg19) VCF-style: chr15-73615982-C-T.
Other names: c.2452G>A (NM_005477.2); short protein forms G818S.
Identifiers: ClinVar variation 1516107 (VCV001516107.9), dbSNP rs1427767002, ClinGen allele CA393088868.
Genomic context (GRCh38, chr15:73,323,641, plus strand): 5'-CCAGCGCAGAAGGGATCAGGGACTGCAGCCGTTTCAGGTGCCTTGGCGTCTGCCCGGCAC[C>T]GAGGTTGCCCAGCCCAGATCCTGGGGGAGGGCGGAAGATGGCAGCAGGCAGGCGAGGGTG-3'
Protein context (NP_005468.1, residues 808-828): PPPGSGLGNL[Gly818Ser]AGQTPRHLKR